The following is an entry in ClinVar:

NM_005359.6(SMAD4):c.78T>C (p.His26=)

Gene: SMAD4 (SMAD family member 4; plus strand). Cytogenetic location: 18q21.2.
Variant type: single nucleotide variant.
Coding change: c.78T>C on transcript NM_005359.6 (MANE Select); coding-DNA position 78, T replaced by C.
Protein change: p.His26=; no amino-acid change (histidine 26 retained).
Molecular consequence: synonymous variant. On other transcripts: non-coding transcript variant (2).
Genome position (GRCh38, 1-based): chr18:51,047,124, T>C. VCF-style: chr18-51047124-T-C. GRCh37 (hg19) VCF-style: chr18-48573494-T-C.
Other names: c.78T>C, p.His26= (NM_001407041.1, NM_001407042.1, NM_001407043.1).
Identifiers: ClinVar variation 3903884 (VCV003903884.1).

ClinVar aggregate classification (germline): Benign (1 of 4 stars; one submission).

Conditions:
Juvenile polyposis/hereditary hemorrhagic telangiectasia syndrome (JPHT). Also called: JP/HHT SYNDROME; JUVENILE POLYPOSIS WITH HEREDITARY HEMORRHAGIC TELANGIECTASIA; POLYPOSIS, GENERALIZED JUVENILE, WITH PULMONARY ARTERIOVENOUS MALFORMATION; TELANGIECTASIA, HEREDITARY HEMORRHAGIC, WITH JUVENILE POLYPOSIS COLI; Juvenile Polyposis Syndrome / Hereditary Hemorrhagic Telangiectasia (JPS/HHT). Identifiers: Orphanet 2929, MedGen C1832942, MONDO:0008278, OMIM 175050.

Submission:

Myriad Genetics, Inc.
Classification: Benign for Juvenile polyposis/hereditary hemorrhagic telangiectasia syndrome. Last evaluated: 2025-03-18. Review status: criteria provided, single submitter. Criteria: Myriad Autosomal Dominant, Autosomal Recessive and X-Linked Classification Criteria (2023). Collection method: clinical testing. Allele origin: unknown.
Comment: This variant is considered benign. This variant is a silent/synonymous amino acid change and it is not expected to impact splicing.